The following is an entry in ClinVar:

NM_000093.5(COL5A1):c.3780C>T (p.Ser1260=)

Gene: COL5A1 (collagen type V alpha 1 chain; plus strand). Cytogenetic location: 9q34.3.
Variant type: single nucleotide variant.
Coding change: c.3780C>T on transcript NM_000093.5 (MANE Select); coding-DNA position 3780, C replaced by T.
Protein change: p.Ser1260=; no amino-acid change (serine 1260 retained).
Molecular consequence: synonymous variant.
Genome position (GRCh38, 1-based): chr9:134,812,640, C>T. VCF-style: chr9-134812640-C-T. GRCh37 (hg19) VCF-style: chr9-137704486-C-T.
Other names: c.3780C>T, p.Ser1260= (NM_001278074.1).
Identifiers: ClinVar variation 519628 (VCV000519628.17), dbSNP rs150591401, ClinGen allele CA5320030.

ClinVar aggregate classification (germline): Benign/Likely benign. Review status: criteria provided, multiple submitters, no conflicts (2 of 4 stars). 4 submissions from 4 submitters: Benign (1); Likely benign (2). 1 of the submissions does not count toward it. Last evaluated 2025-09-14.

Conditions:
COL5A1-related disorder. Also called: COL5A1-related condition.
Familial thoracic aortic aneurysm and aortic dissection (TAAD). Also called: Thoracic aortic aneurysms and dissections. Identifiers: Orphanet 91387, MedGen C4707243, MONDO:0019625.
Ehlers-Danlos syndrome, classic type, 1 (EDSCL1). Also called: Ehlers-Danlos Syndrome, Classic Type, COL5A1-Related; EDS I; Ehlers-Danlos syndrome, type 1; EHLERS-DANLOS SYNDROME, GRAVIS TYPE; EHLERS-DANLOS SYNDROME, SEVERE CLASSIC TYPE. Identifiers: MedGen C0268335, MONDO:0019567, OMIM 130000.

Allele frequency attached by ClinVar (database versions not stated): gnomAD 0.00006; ESP Exome Variant Server 0.00023; TOPMed 0.00011.
gnomAD v4.1: 51 of 1,600,162 alleles (0.0032%); highest among the groups gnomAD compares: Middle Eastern, 0.033%; no homozygotes.

Submissions (4):

Labcorp Genetics (formerly Invitae), Labcorp
Classification: Likely benign for Ehlers-Danlos syndrome, classic type, 1. Last evaluated: 2025-09-14. Review status: criteria provided, single submitter. Criteria: Invitae Variant Classification Sherloc (09022015). Collection method: clinical testing. Allele origin: germline.

Women's Health and Genetics/Laboratory Corporation of America, LabCorp
Classification: Benign. Last evaluated: 2023-08-10. Review status: criteria provided, single submitter. Criteria: LabCorp Variant Classification Summary - May 2015. Collection method: clinical testing. Allele origin: germline.

Ambry Genetics
Classification: Likely benign for Familial thoracic aortic aneurysm and aortic dissection. Last evaluated: 2016-05-12. Review status: criteria provided, single submitter. Criteria: Ambry Variant Classification Scheme 2023. Collection method: clinical testing. Allele origin: germline.

PreventionGenetics, part of Exact Sciences
Classification: Likely benign for COL5A1-related condition. Last evaluated: 2019-08-20. Review status: no assertion criteria provided. Collection method: clinical testing. Allele origin: germline. Not counted in ClinVar's aggregate classification.
Comment: This variant is classified as likely benign based on ACMG/AMP sequence variant interpretation guidelines (Richards et al. 2015 PMID: 25741868, with internal and published modifications).